The following is an entry in ClinVar:

ClinVar aggregate classification (germline): Uncertain significance (1 of 4 stars; one submission).

Conditions:
FADD-related immunodeficiency. Also called: Infections, recurrent, with encephalopathy, hepatic dysfunction, and cardiovascular malformations; FADD DEFICIENCY. Identifiers: Orphanet 306550, MedGen C3151062, MONDO:0013408, OMIM 613759.

Allele frequency attached by ClinVar (database versions not stated): gnomAD exomes below 0.00001 and 0.00001; gnomAD 0.00001; TOPMed 0.00002.

Submission:

Labcorp Genetics (formerly Invitae), Labcorp
Classification: Uncertain significance for FADD-related immunodeficiency. Last evaluated: 2021-08-26. Review status: criteria provided, single submitter. Criteria: Invitae Variant Classification Sherloc (09022015). Collection method: clinical testing. Allele origin: germline.
Comment: This sequence change replaces arginine with histidine at codon 140 of the FADD protein (p.Arg140His). The arginine residue is moderately conserved and there is a small physicochemical difference between arginine and histidine. This variant is not present in population databases (ExAC no frequency). This variant has not been reported in the literature in individuals affected with FADD-related conditions. Algorithms developed to predict the effect of missense changes on protein structure and function are either unavailable or do not agree on the potential impact of this missense change (SIFT: "Tolerated"; PolyPhen-2: "Possibly Damaging"; Align-GVGD: "Class C0"). In summary, the available evidence is currently insufficient to determine the role of this variant in disease. Therefore, it has been classified as a Variant of Uncertain Significance.

NM_003824.4(FADD):c.419G>A (p.Arg140His)

Gene: FADD (Fas associated via death domain; plus strand). Cytogenetic location: 11q13.3.
Variant type: single nucleotide variant.
Coding change: c.419G>A on transcript NM_003824.4 (MANE Select); coding-DNA position 419, G replaced by A.
Protein change: p.Arg140His; replaces arginine 140 with histidine.
Molecular consequence: missense variant.
Genome position (GRCh38, 1-based): chr11:70,206,265, G>A. VCF-style: chr11-70206265-G-A. GRCh37 (hg19) VCF-style: chr11-70052371-G-A.
Other names: short protein forms R140H.
Identifiers: ClinVar variation 1027224 (VCV001027224.6), dbSNP rs1371367785, ClinGen allele CA381666174.